The following is an entry in ClinVar:

NM_194248.3(OTOF):c.5406G>A (p.Ala1802=)

Gene: OTOF (otoferlin; minus strand). Cytogenetic location: 2p23.3.
Variant type: single nucleotide variant.
Coding change: c.5406G>A on transcript NM_194248.3 (MANE Select); coding-DNA position 5406, G replaced by A.
Protein change: p.Ala1802=; no amino-acid change (alanine 1802 retained).
Molecular consequence: synonymous variant.
Genome position (GRCh38, 1-based): chr2:26,461,823, C>T on the plus strand (G>A on the coding strand, the complement: OTOF is on the minus strand). VCF-style: chr2-26461823-C-T. GRCh37 (hg19) VCF-style: chr2-26684691-C-T.
Other names: c.5406G>A, p.Ala1802= (NM_001287489.2); c.3105G>A, p.Ala1035= (NM_004802.4, NM_194323.3); c.3336G>A, p.Ala1112= (NM_194322.3).
Identifiers: ClinVar variation 4873873 (VCV004873873.2).
Genomic context (GRCh38, chr2:26,461,823, plus strand): 5'-GTACTCGGTCTCGTCCCAGGAGAACATGGACTCCTTCTTGGAGATGACGATCTTCTCCTC[C>T]GCCGCCAGGTAGTCGAAGGGGAACAGGTAGCGCCAGTTGAAGTTGCCCTCGCCAGTGAGG-3'
Protein context (NP_919224.1, residues 1792-1812): RYLFPFDYLA[Ala1802=]EEKIVISKKE

ClinVar aggregate classification (germline): Uncertain significance (1 of 4 stars; one submission).

gnomAD v4.1: 23 of 1,614,200 alleles (0.0014%); highest among the groups gnomAD compares: Middle Eastern, 0.033%; no homozygotes.

Submission:

CeGaT Center for Human Genetics Tuebingen
Classification: Uncertain significance. Last evaluated: 2026-06-01. Review status: criteria provided, single submitter. Criteria: CeGaT Center For Human Genetics Tuebingen Variant Classification Criteria Version 2. Collection method: clinical testing. Allele origin: germline. Affected: yes. Observed: 1 variant allele.
Comment: OTOF: PM2:Supporting